The following is an entry in ClinVar:

ClinVar aggregate classification (germline): Uncertain significance (1 of 4 stars; one submission).

Conditions:
Hereditary cancer-predisposing syndrome. Also called: Hereditary Cancer Syndrome; Hereditary neoplastic syndrome; Neoplastic Syndromes, Hereditary; Tumor predisposition. Identifiers: Orphanet 140162, MedGen C0027672, MeSH D009386, MONDO:0015356.

Allele frequency attached by ClinVar (database versions not stated): gnomAD exomes below 0.00001; TOPMed below 0.00001.
gnomAD v4.1: 1 of 1,612,612 alleles (0.000062%); highest among the groups gnomAD compares: Non-Finnish European, 0.000085%; no homozygotes.

Submission:

Ambry Genetics
Classification: Uncertain significance for Hereditary cancer-predisposing syndrome. Last evaluated: 2022-08-03. Review status: criteria provided, single submitter. Criteria: Ambry Variant Classification Scheme 2023. Collection method: clinical testing. Allele origin: germline.
Comment: The p.Y32C variant (also known as c.95A>G), located in coding exon 2 of the EPCAM gene, results from an A to G substitution at nucleotide position 95. The tyrosine at codon 32 is replaced by cysteine, an amino acid with highly dissimilar properties. This amino acid position is conserved. In addition, the in silico prediction for this alteration is inconclusive. Since supporting evidence is limited at this time, the clinical significance of this alteration remains unclear.

NM_002354.3(EPCAM):c.95A>G (p.Tyr32Cys)

Gene: EPCAM (epithelial cell adhesion molecule; plus strand). Cytogenetic location: 2p21.
Variant type: single nucleotide variant.
Coding change: c.95A>G on transcript NM_002354.3 (MANE Select); coding-DNA position 95, A replaced by G.
Protein change: p.Tyr32Cys; replaces tyrosine 32 with cysteine.
Molecular consequence: missense variant.
Genome position (GRCh38, 1-based): chr2:47,373,481, A>G. VCF-style: chr2-47373481-A-G. GRCh37 (hg19) VCF-style: chr2-47600620-A-G.
Other names: short protein forms Y32C.
Identifiers: ClinVar variation 1767512 (VCV001767512.2), dbSNP rs1671335988, ClinGen allele CA346722412.
Genomic context (GRCh38, chr2:47,373,481, plus strand): 5'-TAGATCCACATTTTAAAGTAGATTTTTTTTTTAATTTTCTAGAATGTGTCTGTGAAAACT[A>G]CAAGCTGGCCGTAAACTGCTTTGTGAATAATAATCGTCAATGCCAGTGTACTTCAGTTGG-3'
Protein context (NP_002345.2, residues 22-42): AAQEECVCEN[Tyr32Cys]KLAVNCFVNN